The following is an entry in ClinVar:

ClinVar aggregate classification (germline): Uncertain significance (1 of 4 stars; one submission).

Conditions:
Hereditary cancer-predisposing syndrome. Also called: Hereditary Cancer Syndrome; Tumor predisposition; Hereditary neoplastic syndrome; Neoplastic Syndromes, Hereditary. Identifiers: Orphanet 140162, MedGen C0027672, MeSH D009386, MONDO:0015356.

Submission:

Hereditary Cancer Group, L’Institut d'Investigació Biomèdica de Bellvitge
Classification: Uncertain significance for Hereditary cancer-predisposing syndrome. Last evaluated: 2024-12-19. Review status: criteria provided, single submitter. Criteria: Hatton et al. (Hum Mutat. 2023). Collection method: clinical testing. Allele origin: germline. Inheritance: Autosomal dominant inheritance. Affected: yes.
Comment: PM2_supporting, BP4

NM_177438.3(DICER1):c.84T>A (p.Phe28Leu)

Gene: DICER1 (dicer 1, ribonuclease III; minus strand). Cytogenetic location: 14q32.13.
Variant type: single nucleotide variant.
Coding change: c.84T>A on transcript NM_177438.3 (MANE Select); coding-DNA position 84, T replaced by A.
Protein change: p.Phe28Leu; replaces phenylalanine 28 with leucine.
Molecular consequence: missense variant. On other transcripts: 5 prime UTR variant (8), non-coding transcript variant (6), intron variant (1).
Genome position (GRCh38, 1-based): chr14:95,133,375, A>T on the plus strand (T>A on the coding strand, the complement: DICER1 is on the minus strand). VCF-style: chr14-95133375-A-T. GRCh37 (hg19) VCF-style: chr14-95599712-A-T.
Other names: c.84T>A, p.Phe28Leu (NM_001195573.1, NM_001271282.3, NM_001291628.2 and 14 more transcripts); c.-191T>A (NM_001395686.1, NM_001395688.1, NM_001395689.1 and 3 more transcripts); c.-375T>A (NM_001395691.1); c.-1485T>A (NM_001395697.1); c.-130-698T>A (NM_001395687.1); short protein forms F28L.
Identifiers: ClinVar variation 3393366 (VCV003393366.1).